The following is an entry in ClinVar:

NM_022772.4(EPS8L2):c.1045G>C (p.Gly349Arg)

Gene: EPS8L2 (EPS8 signaling adaptor L2; plus strand). Cytogenetic location: 11p15.5.
Variant type: single nucleotide variant.
Coding change: c.1045G>C on transcript NM_022772.4 (MANE Select); coding-DNA position 1045, G replaced by C.
Protein change: p.Gly349Arg; replaces glycine 349 with arginine.
Molecular consequence: missense variant.
Genome position (GRCh38, 1-based): chr11:722,151, G>C. VCF-style: chr11-722151-G-C. GRCh37 (hg19) VCF-style: chr11-722151-G-C.
Other names: short protein forms G349R.
Identifiers: ClinVar variation 2200639 (VCV002200639.4), dbSNP rs534711728, ClinGen allele CA5787450.

ClinVar aggregate classification (germline): Uncertain significance (1 of 4 stars; one submission).

Allele frequency attached by ClinVar (database versions not stated): gnomAD 0.00001; TOPMed 0.00006; 1000 Genomes Project 30x 0.00016; 1000 Genomes Project 0.00020.
gnomAD v4.1: 39 of 1,612,664 alleles (0.0024%); highest among the groups gnomAD compares: Admixed American, 0.037%; no homozygotes.

Submission:

Labcorp Genetics (formerly Invitae), Labcorp
Classification: Uncertain significance. Last evaluated: 2022-10-05. Review status: criteria provided, single submitter. Criteria: Invitae Variant Classification Sherloc (09022015). Collection method: clinical testing. Allele origin: germline.
Comment: This variant is present in population databases (rs534711728, gnomAD 0.06%). This sequence change replaces glycine, which is neutral and non-polar, with arginine, which is basic and polar, at codon 349 of the EPS8L2 protein (p.Gly349Arg). Algorithms developed to predict the effect of missense changes on protein structure and function are either unavailable or do not agree on the potential impact of this missense change (SIFT: "Tolerated"; PolyPhen-2: "Probably Damaging"; Align-GVGD: "Class C0"). In summary, the available evidence is currently insufficient to determine the role of this variant in disease. Therefore, it has been classified as a Variant of Uncertain Significance. This variant has not been reported in the literature in individuals affected with EPS8L2-related conditions.